The following is an entry in ClinVar:

NM_032043.3(BRIP1):c.1967A>C (p.Lys656Thr)

Gene: BRIP1 (BRCA1 interacting DNA helicase 1; minus strand). Cytogenetic location: 17q23.2.
Variant type: single nucleotide variant.
Coding change: c.1967A>C on transcript NM_032043.3 (MANE Select); coding-DNA position 1967, A replaced by C.
Protein change: p.Lys656Thr; replaces lysine 656 with threonine.
Molecular consequence: missense variant.
Genome position (GRCh38, 1-based): chr17:61,776,531, T>G on the plus strand (A>C on the coding strand, the complement: BRIP1 is on the minus strand). VCF-style: chr17-61776531-T-G. GRCh37 (hg19) VCF-style: chr17-59853892-T-G.
Other names: short protein forms K656T.
Identifiers: ClinVar variation 2449942 (VCV002449942.2), dbSNP rs1322017079, ClinGen allele CA400478538.

ClinVar aggregate classification (germline): Uncertain significance (1 of 4 stars; one submission).

Conditions:
Hereditary cancer-predisposing syndrome. Also called: Neoplastic Syndromes, Hereditary; Tumor predisposition; Hereditary neoplastic syndrome; Hereditary Cancer Syndrome. Identifiers: Orphanet 140162, MedGen C0027672, MeSH D009386, MONDO:0015356.

Allele frequency attached by ClinVar (database versions not stated): gnomAD 0.00001.
gnomAD v4.1: 1 of 1,614,038 alleles (0.000062%); highest among the groups gnomAD compares: Non-Finnish European, 0.000085%; no homozygotes.

Submission:

Ambry Genetics
Classification: Uncertain significance for Hereditary cancer-predisposing syndrome. Last evaluated: 2023-02-24. Review status: criteria provided, single submitter. Criteria: Ambry Variant Classification Scheme 2023. Collection method: clinical testing. Allele origin: germline.
Comment: The p.K656T variant (also known as c.1967A>C), located in coding exon 13 of the BRIP1 gene, results from an A to C substitution at nucleotide position 1967. The lysine at codon 656 is replaced by threonine, an amino acid with similar properties. This amino acid position is conserved. In addition, this alteration is predicted to be tolerated by in silico analysis. Since supporting evidence is limited at this time, the clinical significance of this alteration remains unclear.